The following is an entry in ClinVar:

ClinVar aggregate classification (germline): Benign (1 of 4 stars; one submission).

Allele frequency attached by ClinVar (database versions not stated): 1000 Genomes Project 0.50339; 1000 Genomes Project 30x 0.51046; TOPMed 0.53904.
gnomAD v4.1: 80,769 of 152,226 alleles (53%); highest among the groups gnomAD compares: African/African-American, 82%; 24,177 homozygotes.

Submission:

GeneDx
Classification: Benign. Last evaluated: 2018-06-14. Review status: criteria provided, single submitter. Criteria: GeneDx Variant Classification (06012015). Collection method: clinical testing. Allele origin: germline. Affected: yes.
Comment: This variant is considered likely benign or benign based on one or more of the following criteria: it is a conservative change, it occurs at a poorly conserved position in the protein, it is predicted to be benign by multiple in silico algorithms, and/or has population frequency not consistent with disease.

NM_002474.3(MYH11):c.502+251T>G

Gene: MYH11 (myosin heavy chain 11; minus strand). Cytogenetic location: 16p13.11.
Variant type: single nucleotide variant.
Coding change: c.502+251T>G on transcript NM_002474.3 (MANE Select); 251 bases into the intron after coding-DNA position 502, T replaced by G.
Molecular consequence: intron variant.
Genome position (GRCh38, 1-based): chr16:15,823,004, A>C on the plus strand (T>G on the coding strand, the complement: MYH11 is on the minus strand). VCF-style: chr16-15823004-A-C. GRCh37 (hg19) VCF-style: chr16-15916861-A-C.
Other names: c.502+251T>G (NM_022844.3, NM_001040114.2, NM_001040113.2).
Identifiers: ClinVar variation 680653 (VCV000680653.1), dbSNP rs216156, ClinGen allele CA14241659.